The following is an entry in ClinVar:

ClinVar aggregate classification (germline): Uncertain significance (1 of 4 stars; one submission).

Conditions:
Cataract 3 multiple types. Also called: CATARACT 3, MULTIPLE TYPES, WITH OR WITHOUT MICROCORNEA. Identifiers: Orphanet 1377, MedGen C1832175, MONDO:0011104, OMIM 601547.

Submission:

Centre for Mendelian Genomics, University Medical Centre Ljubljana
Classification: Uncertain significance for Cataract 3 multiple types. Last evaluated: 2016-01-01. Review status: criteria provided, single submitter. Criteria: ACMG Guidelines, 2015. Collection method: clinical testing. Allele origin: unknown. Affected: yes.
Comment: This variant was classified as: Uncertain significance. The following ACMG criteria were applied in classifying this variant: PM2,PP2,PP3.

NM_000496.3(CRYBB2):c.24G>C (p.Gln8His)

Gene: CRYBB2 (crystallin beta B2; plus strand). Cytogenetic location: 22q11.23.
Variant type: single nucleotide variant.
Coding change: c.24G>C on transcript NM_000496.3 (MANE Select); coding-DNA position 24, G replaced by C.
Protein change: p.Gln8His; replaces glutamine 8 with histidine.
Molecular consequence: missense variant.
Genome position (GRCh38, 1-based): chr22:25,221,453, G>C. VCF-style: chr22-25221453-G-C. GRCh37 (hg19) VCF-style: chr22-25617420-G-C.
Other names: short protein forms Q8H.
Identifiers: ClinVar variation 931053 (VCV000931053.3), dbSNP rs1935318753, ClinGen allele CA410986628.
Genomic context (GRCh38, chr22:25,221,453, plus strand): 5'-ATGTCTTCCAGGTCATTCCTGCACAGGACAGTCCACCATGGCCTCAGATCACCAGACCCA[G>C]GCGGGCAAGCCACAGTCCCTCAACCCCAAGGTGGGTACCTCTCAGAGGAGGGGGCATGCA-3'
Protein context (NP_000487.1, residues 1-18): MASDHQT[Gln8His]AGKPQSLNPK